The following is an entry in ClinVar:

ClinVar aggregate classification (germline): Uncertain significance (1 of 4 stars; one submission).

Submission:

GeneDx
Classification: Uncertain significance. Last evaluated: 2019-12-10. Review status: criteria provided, single submitter. Criteria: GeneDx Variant Classification Process June 2021. Collection method: clinical testing. Allele origin: germline. Affected: yes.
Comment: Not observed in large population cohorts (Lek et al., 2016); In silico analysis, which includes protein predictors and evolutionary conservation, supports that this variant does not alter protein structure/function; Has not been previously published as pathogenic or benign to our knowledge

NM_005445.4(SMC3):c.1243G>A (p.Ala415Thr)

Gene: SMC3 (structural maintenance of chromosomes 3; plus strand). Cytogenetic location: 10q25.2.
Variant type: single nucleotide variant.
Coding change: c.1243G>A on transcript NM_005445.4 (MANE Select); coding-DNA position 1243, G replaced by A.
Protein change: p.Ala415Thr; replaces alanine 415 with threonine.
Molecular consequence: missense variant.
Genome position (GRCh38, 1-based): chr10:110,584,334, G>A. VCF-style: chr10-110584334-G-A. GRCh37 (hg19) VCF-style: chr10-112344092-G-A.
Other names: short protein forms A415T.
Identifiers: ClinVar variation 1206566 (VCV001206566.3), dbSNP rs2134727751, ClinGen allele CA378384177.